The following is an entry in ClinVar:

ClinVar aggregate classification (germline): Conflicting classifications of pathogenicity. Review status: criteria provided, conflicting classifications (1 of 4 stars). 3 submissions from 3 submitters: Uncertain significance (2); Likely benign (1). Last evaluated 2024-02-17.

Allele frequency attached by ClinVar (database versions not stated): gnomAD 0.00001; gnomAD exomes 0.00001; TOPMed 0.00001; ExAC 0.00002.
gnomAD v4.1: 10 of 1,612,654 alleles (0.00062%); highest among the groups gnomAD compares: East Asian, 0.0022%; no homozygotes.

Submissions (3):

Labcorp Genetics (formerly Invitae), Labcorp
Classification: Likely benign. Last evaluated: 2024-02-17. Review status: criteria provided, single submitter. Criteria: Invitae Variant Classification Sherloc (09022015). Collection method: clinical testing. Allele origin: germline.

GeneDx
Classification: Uncertain significance. Last evaluated: 2020-09-17. Review status: criteria provided, single submitter. Criteria: GeneDx Variant Classification Process June 2021. Collection method: clinical testing. Allele origin: germline. Affected: yes.
Comment: Not observed at a significant frequency in large population cohorts (Lek et al., 2016); In silico analysis supports that this missense variant has a deleterious effect on protein structure/function; Has not been previously published as pathogenic or benign to our knowledge

Eurofins Ntd Llc (ga)
Classification: Uncertain significance. Last evaluated: 2016-03-21. Review status: criteria provided, single submitter. Criteria: EGL Classification Definitions 2015. Collection method: clinical testing. Allele origin: germline. Observed: 1 variant allele, 1 heterozygote.

NM_080680.3(COL11A2):c.1298G>A (p.Arg433Gln)

Gene: COL11A2 (collagen type XI alpha 2 chain; minus strand). Cytogenetic location: 6p21.32.
Variant type: single nucleotide variant.
Coding change: c.1298G>A on transcript NM_080680.3 (MANE Select); coding-DNA position 1298, G replaced by A.
Protein change: p.Arg433Gln; replaces arginine 433 with glutamine.
Molecular consequence: missense variant.
Genome position (GRCh38, 1-based): chr6:33,180,319, C>T on the plus strand (G>A on the coding strand, the complement: COL11A2 is on the minus strand). VCF-style: chr6-33180319-C-T. GRCh37 (hg19) VCF-style: chr6-33148096-C-T.
Other names: c.977G>A, p.Arg326Gln (NM_080679.3); c.1040G>A, p.Arg347Gln (NM_080681.3); short protein forms R433Q, R326Q, R347Q.
Identifiers: ClinVar variation 286646 (VCV000286646.12), dbSNP rs762813373, ClinGen allele CA3751387.